The following is an entry in ClinVar:

NM_000138.5(FBN1):c.6739+2T>A

Gene: FBN1 (fibrillin 1; minus strand). Cytogenetic location: 15q21.1.
Variant type: single nucleotide variant.
Coding change: c.6739+2T>A on transcript NM_000138.5 (MANE Select); the canonical splice donor site of the intron after coding-DNA position 6739, T replaced by A.
Molecular consequence: splice donor variant.
Genome position (GRCh38, 1-based): chr15:48,432,864, A>T on the plus strand (T>A on the coding strand, the complement: FBN1 is on the minus strand). VCF-style: chr15-48432864-A-T. GRCh37 (hg19) VCF-style: chr15-48725061-A-T.
Other names: c.6739+2T>A (NM_001406716.1).
Identifiers: ClinVar variation 180360 (VCV000180360.7), dbSNP rs730880107, ClinGen allele CA016704.

ClinVar aggregate classification (germline): Pathogenic (1 of 4 stars; one submission).

Conditions:
Marfan syndrome (MFS). Also called: Marfan syndrome, classic; FBN1-Related Marfan Syndrome; Marfan syndrome type 1; Marfan's syndrome; MARFAN SYNDROME, TYPE I. Identifiers: Orphanet 284963, Orphanet 558, MedGen C0024796, MONDO:0007947, OMIM 154700.
Familial thoracic aortic aneurysm and aortic dissection (TAAD). Also called: Thoracic aortic aneurysms and dissections. Identifiers: Orphanet 91387, MedGen C4707243, MONDO:0019625.

Submission:

Labcorp Genetics (formerly Invitae), Labcorp
Classification: Pathogenic for Marfan syndrome; Familial thoracic aortic aneurysm and aortic dissection. Last evaluated: 2021-07-13. Review status: criteria provided, single submitter. Criteria: Invitae Variant Classification Sherloc (09022015). Collection method: clinical testing. Allele origin: germline.
Comment: ClinVar contains an entry for this variant (Variation ID: 180360). For these reasons, this variant has been classified as Pathogenic. Algorithms developed to predict the effect of sequence changes on RNA splicing suggest that this variant may disrupt the consensus splice site. Disruption of this splice site has been observed in individuals with clinical features of FBN1-related conditions (PMID: 17657824, 28973303). This variant is not present in population databases (ExAC no frequency). This sequence change affects a donor splice site in intron 55 of the FBN1 gene. It is expected to disrupt RNA splicing. Variants that disrupt the donor or acceptor splice site typically lead to a loss of protein function (PMID: 16199547), and loss-of-function variants in FBN1 are known to be pathogenic (PMID: 17657824, 19293843).

Literature cited by the submitters: PubMed 17657824; PubMed 28973303; PubMed 16199547; PubMed 19293843.